The following is an entry in ClinVar:

ClinVar aggregate classification (germline): Uncertain significance. Review status: criteria provided, multiple submitters, no conflicts (2 of 4 stars). 3 submissions from 3 submitters: Uncertain significance (3). Last evaluated 2024-12-24.

Conditions:
Lymphoproliferative syndrome 2 (LPFS2). Also called: CD27 DEFICIENCY; Combined immunodeficiency due to CD27 deficiency. Identifiers: Orphanet 238505, MedGen C3554540, MONDO:0014054, OMIM 615122.
Inborn genetic diseases. Identifiers: MedGen C0950123, MeSH D030342.

Allele frequency attached by ClinVar (database versions not stated): ExAC 0.00004; gnomAD 0.00004 and 0.00005; gnomAD exomes 0.00006 and 0.00007; TOPMed 0.00009; 1000 Genomes Project 30x 0.00016.

Submissions (3):

Women's Health and Genetics/Laboratory Corporation of America, LabCorp
Classification: Uncertain significance. Last evaluated: 2024-12-24. Review status: criteria provided, single submitter. Criteria: LabCorp Variant Classification Summary - May 2015. Collection method: clinical testing. Allele origin: germline.
Comment: Variant summary: CD27 c.395C>T (p.Ser132Leu) results in a non-conservative amino acid change in the encoded protein sequence. Four of five in-silico tools predict a benign effect of the variant on protein function. The variant allele was found at a frequency of 6.8e-05 in 250864 control chromosomes. This frequency is not significantly higher than estimated for a pathogenic variant in CD27 causing Lymphoproliferative Syndrome 2, allowing no conclusion about variant significance. To our knowledge, no occurrence of c.395C>T in individuals affected with Lymphoproliferative Syndrome 2 and no experimental evidence demonstrating its impact on protein function have been reported. ClinVar contains an entry for this variant (Variation ID: 842024). Based on the evidence outlined above, the variant was classified as uncertain significance.

Labcorp Genetics (formerly Invitae), Labcorp
Classification: Uncertain significance for Lymphoproliferative syndrome 2. Last evaluated: 2024-12-16. Review status: criteria provided, single submitter. Criteria: Invitae Variant Classification Sherloc (09022015). Collection method: clinical testing. Allele origin: germline.
Comment: This sequence change replaces serine, which is neutral and polar, with leucine, which is neutral and non-polar, at codon 132 of the CD27 protein (p.Ser132Leu). This variant is present in population databases (rs765725985, gnomAD 0.03%). This variant has not been reported in the literature in individuals affected with CD27-related conditions. ClinVar contains an entry for this variant (Variation ID: 842024). Invitae Evidence Modeling of protein sequence and biophysical properties (such as structural, functional, and spatial information, amino acid conservation, physicochemical variation, residue mobility, and thermodynamic stability) indicates that this missense variant is not expected to disrupt CD27 protein function with a negative predictive value of 80%. In summary, the available evidence is currently insufficient to determine the role of this variant in disease. Therefore, it has been classified as a Variant of Uncertain Significance.

Ambry Genetics
Classification: Uncertain significance for Inborn genetic diseases. Last evaluated: 2023-05-09. Review status: criteria provided, single submitter. Criteria: Ambry Variant Classification Scheme 2023. Collection method: clinical testing. Allele origin: germline.

NM_001242.5(CD27):c.395C>T (p.Ser132Leu)

Genes: CD27 (CD27 molecule; plus strand), CD27-AS1 (CD27 antisense RNA 1; minus strand). Cytogenetic location: 12p13.31.
Variant type: single nucleotide variant.
Coding change: c.395C>T on transcript NM_001242.5 (MANE Select); coding-DNA position 395, C replaced by T.
Protein change: p.Ser132Leu; replaces serine 132 with leucine.
Molecular consequence: missense variant.
Genome position (GRCh38, 1-based): chr12:6,450,299, C>T. VCF-style: chr12-6450299-C-T. GRCh37 (hg19) VCF-style: chr12-6559465-C-T.
Other names: short protein forms S132L.
Identifiers: ClinVar variation 842024 (VCV000842024.12), dbSNP rs765725985, ClinGen allele CA6406960.